The following is an entry in ClinVar:

ClinVar aggregate classification (germline): Uncertain significance (1 of 4 stars; one submission).

Allele frequency attached by ClinVar (database versions not stated): gnomAD exomes 0.00001; ESP Exome Variant Server 0.00008.
gnomAD v4.1: 17 of 1,613,644 alleles (0.0011%); highest among the groups gnomAD compares: Non-Finnish European, 0.0014%; no homozygotes.

Submission:

Labcorp Genetics (formerly Invitae), Labcorp
Classification: Uncertain significance. Last evaluated: 2022-03-01. Review status: criteria provided, single submitter. Criteria: Invitae Variant Classification Sherloc (09022015). Collection method: clinical testing. Allele origin: germline.
Comment: Algorithms developed to predict the effect of missense changes on protein structure and function (SIFT, PolyPhen-2, Align-GVGD) all suggest that this variant is likely to be tolerated. In summary, the available evidence is currently insufficient to determine the role of this variant in disease. Therefore, it has been classified as a Variant of Uncertain Significance. This variant has not been reported in the literature in individuals affected with TNS2-related conditions. This sequence change replaces glutamic acid, which is acidic and polar, with aspartic acid, which is acidic and polar, at codon 1057 of the TNS2 protein (p.Glu1057Asp). This variant is present in population databases (rs141466881, gnomAD 0.0009%).

NM_170754.4(TNS2):c.3141G>T (p.Glu1047Asp)

Gene: TNS2 (tensin 2; plus strand). Cytogenetic location: 12q13.13.
Variant type: single nucleotide variant.
Coding change: c.3141G>T on transcript NM_170754.4 (MANE Select); coding-DNA position 3141, G replaced by T.
Protein change: p.Glu1047Asp; replaces glutamic acid 1047 with aspartic acid.
Molecular consequence: missense variant.
Genome position (GRCh38, 1-based): chr12:53,061,047, G>T. VCF-style: chr12-53061047-G-T. GRCh37 (hg19) VCF-style: chr12-53454831-G-T.
Other names: c.2769G>T, p.Glu923Asp (NM_198316.2); c.3168G>T, p.Glu1056Asp (NM_001416204.1); c.3072G>T, p.Glu1024Asp (NM_015319.3); c.3141G>T, p.Glu1047Asp (NM_001416202.1); c.3099G>T, p.Glu1033Asp (NM_001416203.1); short protein forms E1057D, E1047D, E923D, E1024D, E1033D, E1056D.
Identifiers: ClinVar variation 2169428 (VCV002169428.4), dbSNP rs141466881, ClinGen allele CA237299497.
Genomic context (GRCh38, chr12:53,061,047, plus strand): 5'-AGATGGGTCTCCCCTCACTCCTGTGCCTTCCCAGATGCCCTGGCTTGTGGCCAGCCCAGA[G>T]CCGCCTCAGAGCTCACCTACACCTGCTTTCCCCCTGGCTGCCTCCTATGACACCAATGGC-3'
Protein context (NP_736610.2, residues 1037-1057): SQMPWLVASP[Glu1047Asp]PPQSSPTPAF